The following is an entry in ClinVar:

ClinVar aggregate classification (germline): Uncertain significance (1 of 4 stars; one submission).

Conditions:
Hypertrophic cardiomyopathy. Also called: HYPERTROPHIC MYOCARDIOPATHY. Identifiers: Orphanet 217569, MedGen C0007194, MeSH D002312, MONDO:0005045, HP:0001639.

Submission:

Labcorp Genetics (formerly Invitae), Labcorp
Classification: Uncertain significance for Hypertrophic cardiomyopathy. Last evaluated: 2024-09-02. Review status: criteria provided, single submitter. Criteria: Invitae Variant Classification Sherloc (09022015). Collection method: clinical testing. Allele origin: germline.
Comment: This sequence change replaces asparagine, which is neutral and polar, with aspartic acid, which is acidic and polar, at codon 1448 of the MYH7 protein (p.Asn1448Asp). This variant is not present in population databases (gnomAD no frequency). This variant has not been reported in the literature in individuals affected with MYH7-related conditions. Invitae Evidence Modeling of protein sequence and biophysical properties (such as structural, functional, and spatial information, amino acid conservation, physicochemical variation, residue mobility, and thermodynamic stability) indicates that this missense variant is expected to disrupt MYH7 protein function with a positive predictive value of 95%. In summary, the available evidence is currently insufficient to determine the role of this variant in disease. Therefore, it has been classified as a Variant of Uncertain Significance.

NM_000257.4(MYH7):c.4342A>G (p.Asn1448Asp)

Genes: MHRT (myosin heavy chain associated RNA transcript; plus strand), MYH7 (myosin heavy chain 7; minus strand). Cytogenetic location: 14q11.2.
Variant type: single nucleotide variant.
Coding change: c.4342A>G on transcript NM_000257.4 (MANE Select); coding-DNA position 4342, A replaced by G.
Protein change: p.Asn1448Asp; replaces asparagine 1448 with aspartic acid.
Molecular consequence: missense variant.
Genome position (GRCh38, 1-based): chr14:23,417,514, T>C on the plus strand (A>G on the coding strand, the complement: MYH7 is on the minus strand). VCF-style: chr14-23417514-T-C. GRCh37 (hg19) VCF-style: chr14-23886723-T-C.
Other names: c.4342A>G, p.Asn1448Asp (NM_001407004.1); short protein forms N1448D.
Identifiers: ClinVar variation 3636006 (VCV003636006.2).